The following is an entry in ClinVar:

NM_000283.4(PDE6B):c.1151T>C (p.Leu384Pro)

Gene: PDE6B (phosphodiesterase 6B; plus strand). Cytogenetic location: 4p16.3.
Variant type: single nucleotide variant.
Coding change: c.1151T>C on transcript NM_000283.4 (MANE Select); coding-DNA position 1151, T replaced by C.
Protein change: p.Leu384Pro; replaces leucine 384 with proline.
Molecular consequence: missense variant. On other transcripts: 5 prime UTR variant (1).
Genome position (GRCh38, 1-based): chr4:656,917, T>C. VCF-style: chr4-656917-T-C. GRCh37 (hg19) VCF-style: chr4-650706-T-C.
Other names: c.1151T>C, p.Leu384Pro (NM_001145291.2); c.314T>C, p.Leu105Pro (NM_001145292.2, NM_001350154.3, NM_001379246.1 and 1 more transcripts); c.-5T>C (NM_001350155.3); short protein forms L105P, L384P.
Identifiers: ClinVar variation 2092276 (VCV002092276.4), dbSNP rs2474211334, ClinGen allele CA355913136.
Genomic context (GRCh38, chr4:656,917, plus strand): 5'-GGACACCGCTCCCGCAGGAAGGGGCCCTGGACGACTCCGGGTGGCTCATCAAGAATGTGC[T>C]GTCCATGCCCATCGTCAACAAGAAGGAGGAGATTGTGGGAGTCGCCACATTTTACAACAG-3'
Protein context (NP_000274.3, residues 374-394): DDSGWLIKNV[Leu384Pro]SMPIVNKKEE

ClinVar aggregate classification (germline): Uncertain significance (1 of 4 stars; one submission).

Submission:

Labcorp Genetics (formerly Invitae), Labcorp
Classification: Uncertain significance. Last evaluated: 2022-02-18. Review status: criteria provided, single submitter. Criteria: Invitae Variant Classification Sherloc (09022015). Collection method: clinical testing. Allele origin: germline.
Comment: This sequence change replaces leucine, which is neutral and non-polar, with proline, which is neutral and non-polar, at codon 384 of the PDE6B protein (p.Leu384Pro). This variant is not present in population databases (gnomAD no frequency). This variant has not been reported in the literature in individuals affected with PDE6B-related conditions. Algorithms developed to predict the effect of missense changes on protein structure and function are either unavailable or do not agree on the potential impact of this missense change (SIFT: "Tolerated"; PolyPhen-2: "Probably Damaging"; Align-GVGD: "Class C0"). In summary, the available evidence is currently insufficient to determine the role of this variant in disease. Therefore, it has been classified as a Variant of Uncertain Significance.